The following is an entry in ClinVar:

NM_000094.4(COL7A1):c.6216+2T>G

Gene: COL7A1 (collagen type VII alpha 1 chain; minus strand). Cytogenetic location: 3p21.31.
Variant type: single nucleotide variant.
Coding change: c.6216+2T>G on transcript NM_000094.4 (MANE Select); the canonical splice donor site of the intron after coding-DNA position 6216, T replaced by G.
Molecular consequence: splice donor variant.
Genome position (GRCh38, 1-based): chr3:48,575,205, A>C on the plus strand (T>G on the coding strand, the complement: COL7A1 is on the minus strand). VCF-style: chr3-48575205-A-C. GRCh37 (hg19) VCF-style: chr3-48612638-A-C.
Identifiers: ClinVar variation 2497865 (VCV002497865.1), dbSNP rs2530965573, ClinGen allele CA352662501.

ClinVar aggregate classification (germline): Pathogenic (1 of 4 stars; one submission).

Submission:

GeneDx
Classification: Pathogenic. Last evaluated: 2023-04-03. Review status: criteria provided, single submitter. Criteria: GeneDx Variant Classification Process June 2021. Collection method: clinical testing. Allele origin: germline. Affected: yes.
Comment: Has not been previously published as pathogenic or benign to our knowledge; Canonical splice site variant predicted to result in an in-frame deletion of exon 74 which encodes a portion of the critical triple helical region of this protein; Other variants affecting the same splice site (c.6216+1 G>A; c.6216+2 T>C; c.6216+5 G>T) have been reported in the published literature in association with dystrophic epidermolysis bullosa (Rakasiwi et al., 2021; Rossi et al., 2021; Hamada et al., 2008; Komori et al., 2018); Not observed in large population cohorts (gnomAD); This variant is associated with the following publications: (PMID: 33948473, 33274474, 18207370, 29696689)